The following is an entry in ClinVar:

ClinVar aggregate classification (germline): Uncertain significance (1 of 4 stars; one submission).

Submission:

Ambry Genetics
Classification: Uncertain significance. Last evaluated: 2026-07-15. Review status: criteria provided, single submitter. Criteria: Ambry Variant Classification Scheme 2023. Collection method: clinical testing. Allele origin: germline.
Comment: The p.Y125H variant (also known as c.373T>C), located in coding exon 4 of the SRP72 gene, results from a T to C substitution at nucleotide position 373. The tyrosine at codon 125 is replaced by histidine, an amino acid with similar properties. This amino acid position is conserved. In addition, the in silico prediction for this alteration is inconclusive. Based on the available evidence, the clinical significance of this variant remains unclear.

NM_006947.4(SRP72):c.373T>C (p.Tyr125His)

Gene: SRP72 (signal recognition particle 72; plus strand). Cytogenetic location: 4q12.
Variant type: single nucleotide variant.
Coding change: c.373T>C on transcript NM_006947.4 (MANE Select); coding-DNA position 373, T replaced by C.
Protein change: p.Tyr125His; replaces tyrosine 125 with histidine.
Molecular consequence: missense variant. On other transcripts: non-coding transcript variant (1).
Genome position (GRCh38, 1-based): chr4:56,474,072, T>C. VCF-style: chr4-56474072-T-C. GRCh37 (hg19) VCF-style: chr4-57340238-T-C.
Other names: c.373T>C, p.Tyr125His (NM_001267722.2); short protein forms Y125H.
Identifiers: ClinVar variation 5030234 (VCV005030234.1).